The following is an entry in ClinVar:

ClinVar aggregate classification (germline): Likely pathogenic (1 of 4 stars; one submission).

Conditions:
Fanconi anemia (FA). Also called: Fanconi's anemia. Identifiers: Orphanet 84, MedGen C0015625, MeSH D005199, MONDO:0019391.

Submission:

Women's Health and Genetics/Laboratory Corporation of America, LabCorp
Classification: Likely pathogenic for Fanconi anemia. Last evaluated: 2023-04-12. Review status: criteria provided, single submitter. Criteria: LabCorp Variant Classification Summary - May 2015. Collection method: clinical testing. Allele origin: germline.
Comment: Variant summary: FANCG c.1465_1467delinsAA (p.Glu489LysfsX29) results in a premature termination codon, predicted to cause a truncation of the encoded protein or absence of the protein due to nonsense mediated decay, which are commonly known mechanisms for disease. Truncations downstream of this position have been classified as pathogenic in ClinVar. The variant was absent in 251492 control chromosomes (gnomAD). To our knowledge, no occurrence of c.1465_1467delinsAA in individuals affected with Fanconi Anemia and no experimental evidence demonstrating its impact on protein function have been reported. No clinical diagnostic laboratories have submitted clinical-significance assessments for this variant to ClinVar after 2014. Based on the evidence outlined above, the variant was classified as likely pathogenic.

NM_004629.2(FANCG):c.1465_1467delinsAA (p.Glu489fs)

Gene: FANCG (FA complementation group G; minus strand). Cytogenetic location: 9p13.3.
Variant type: Indel.
Coding change: c.1465_1467delinsAA on transcript NM_004629.2 (MANE Select); coding-DNA positions 1465 to 1467, GAG replaced by AA.
Protein change: p.Glu489fs; shifts the reading frame from glutamic acid 489.
Molecular consequence: frameshift variant.
Genome position (GRCh38, 1-based): chr9:35,075,292-35,075,294, CTC replaced by TT on the plus strand (GAG replaced by AA on the coding strand, the reverse complement: FANCG is on the minus strand). VCF-style: chr9-35075292-CTC-TT. GRCh37 (hg19) VCF-style: chr9-35075289-CTC-TT.
Other names: c.1465_1467delGAGinsAA, p.Glu489Lysfs (NM_004629.1); c.1465_1467delinsAA (NM_004629.1); short protein forms E489fs.
Identifiers: ClinVar variation 2504012 (VCV002504012.1), dbSNP rs2490396692, ClinGen allele CA2580616174.
Genomic context (GRCh38, chr9:35,075,292, plus strand): 5'-CACTACCACTTCCAGGAGGTAAGAGGAAAACTGAAAGTTTAGATCACCTTGTTCTTTTTC[CTC>TT]AGGTGTGGCCCGGAAGAGCAGCTCGAGGCACCTGAAGTAGGACACAGAACAGGGGTGAAG-3'